The following is an entry in ClinVar:

NM_000093.5(COL5A1):c.1936-15C>T

Gene: COL5A1 (collagen type V alpha 1 chain; plus strand). Cytogenetic location: 9q34.3.
Variant type: single nucleotide variant.
Coding change: c.1936-15C>T on transcript NM_000093.5 (MANE Select); 15 bases into the intron before coding-DNA position 1936, C replaced by T.
Molecular consequence: intron variant.
Genome position (GRCh38, 1-based): chr9:134,761,910, C>T. VCF-style: chr9-134761910-C-T. GRCh37 (hg19) VCF-style: chr9-137653756-C-T.
Other names: c.1936-15C>T (NM_001278074.1).
Identifiers: ClinVar variation 4848368 (VCV004848368.1).

ClinVar aggregate classification (germline): Likely benign (1 of 4 stars; one submission).

gnomAD v4.1: 2 of 1,613,070 alleles (0.00012%); highest among the groups gnomAD compares: South Asian, 0.0011%; no homozygotes.

Submission:

Women's Health and Genetics/Laboratory Corporation of America, LabCorp
Classification: Likely benign. Last evaluated: 2026-04-20. Review status: criteria provided, single submitter. Criteria: LabCorp Variant Classification Summary - May 2015. Collection method: clinical testing. Allele origin: germline.
Comment: Variant summary: COL5A1 c.1936-15C>T alters a non-conserved nucleotide located at a position not widely known to affect splicing. Consensus agreement among computation tools predict no significant impact on normal splicing. However, these predictions have yet to be confirmed by functional studies. The variant allele was found at a frequency of 4e-06 in 250766 control chromosomes. The available data on variant occurrences in the general population are insufficient to allow any conclusion about variant significance. To our knowledge, no occurrence of c.1936-15C>T in individuals affected with COL5A1-related conditions and no experimental evidence demonstrating its impact on protein function have been reported. No submitters have cited clinical-significance assessments for this variant to ClinVar. Based on the evidence outlined above, the variant was classified as likely benign.